The following is an entry in ClinVar:

ClinVar aggregate classification (germline): Uncertain significance. Review status: criteria provided, multiple submitters, no conflicts (2 of 4 stars). 2 submissions from 2 submitters: Uncertain significance (2). Last evaluated 2026-04-23.

Conditions:
Muscular dystrophy-dystroglycanopathy (congenital with brain and eye anomalies), type a, 11 (MDDGA11). Also called: WALKER-WARBURG SYNDROME OR MUSCLE-EYE-BRAIN DISEASE, B3GALNT2-RELATED; Congenital muscular dystrophy-dystroglycanopathy with brain and eye anomalies, type A11; Muscular dystrophy-dystroglycanopathy (congenital with brain and eye anomalies, type A, 11. Identifiers: Orphanet 588, Orphanet 899, MedGen C3554638, MONDO:0014071, OMIM 615181.

Allele frequency attached by ClinVar (database versions not stated): gnomAD exomes 0.00001; TOPMed 0.00001; ExAC 0.00002.
gnomAD v4.1: 12 of 1,612,564 alleles (0.00074%); highest among the groups gnomAD compares: South Asian, 0.0033%; no homozygotes.

Submissions (2):

GeneDx
Classification: Uncertain significance. Last evaluated: 2026-04-23. Review status: criteria provided, single submitter. Criteria: GeneDx Variant Classification Process June 2021. Collection method: clinical testing. Allele origin: germline.
Comment: Not observed at significant frequency in large population cohorts (gnomAD); In silico analysis supports a deleterious effect on splicing; Has not been previously published as pathogenic or benign to our knowledge

Labcorp Genetics (formerly Invitae), Labcorp
Classification: Uncertain significance for Muscular dystrophy-dystroglycanopathy (congenital with brain and eye anomalies), type a, 11. Last evaluated: 2022-01-14. Review status: criteria provided, single submitter. Criteria: Invitae Variant Classification Sherloc (09022015). Collection method: clinical testing. Allele origin: germline.
Comment: In summary, the available evidence is currently insufficient to determine the role of this variant in disease. Therefore, it has been classified as a Variant of Uncertain Significance. Algorithms developed to predict the effect of sequence changes on RNA splicing suggest that this variant may disrupt the consensus splice site. This sequence change falls in intron 4 of the B3GALNT2 gene. It does not directly change the encoded amino acid sequence of the B3GALNT2 protein. This variant is present in population databases (rs776132593, gnomAD 0.002%). This variant has not been reported in the literature in individuals affected with B3GALNT2-related conditions. ClinVar contains an entry for this variant (Variation ID: 1010516).

NM_152490.5(B3GALNT2):c.556-8A>G

Gene: B3GALNT2 (beta-1,3-N-acetylgalactosaminyltransferase 2; minus strand). Cytogenetic location: 1q42.3.
Variant type: single nucleotide variant.
Coding change: c.556-8A>G on transcript NM_152490.5 (MANE Select); 8 bases into the intron before coding-DNA position 556, A replaced by G.
Molecular consequence: intron variant.
Genome position (GRCh38, 1-based): chr1:235,480,157, T>C on the plus strand (A>G on the coding strand, the complement: B3GALNT2 is on the minus strand). VCF-style: chr1-235480157-T-C. GRCh37 (hg19) VCF-style: chr1-235643473-T-C.
Other names: c.679-8A>G (NM_001277155.3).
Identifiers: ClinVar variation 1010516 (VCV001010516.6), dbSNP rs776132593, ClinGen allele CA1464872.
Genomic context (GRCh38, chr1:235,480,157, plus strand): 5'-TTCACCTGCACACCACAGCTTGGAGGACTGAAGCGAGCAATGAAGAGGGCCTCCTACAAA[T>C]TGGGAGAAAAAGACAAGAAAAAATACTTCATGTTATACATTGCATATGCAAAAAGTTTTC-3'